The following is an entry in ClinVar:

ClinVar aggregate classification (germline): Uncertain significance (1 of 4 stars; one submission).

Submission:

Greenwood Genetic Center Diagnostic Laboratories, Greenwood Genetic Center
Classification: Uncertain significance. Last evaluated: 2025-10-29. Review status: criteria provided, single submitter. Criteria: ACMG Guidelines, 2015. Collection method: clinical testing. Allele origin: germline. Affected: yes.
Comment: PM2, BP3

NM_007078.3(LDB3):c.94-274G>A

Gene: LDB3 (LIM domain binding 3; plus strand). Cytogenetic location: 10q23.2.
Variant type: single nucleotide variant.
Coding change: c.94-274G>A on transcript NM_007078.3 (MANE Select); 274 bases into the intron before coding-DNA position 94, G replaced by A.
Molecular consequence: intron variant.
Genome position (GRCh38, 1-based): chr10:86,679,093, G>A. VCF-style: chr10-86679093-G-A. GRCh37 (hg19) VCF-style: chr10-88438850-G-A.
Other names: c.94-274G>A (NM_001368064.1, NM_001368063.1, NM_001368068.1 and 8 more transcripts).
Identifiers: ClinVar variation 4845613 (VCV004845613.1).